The following is an entry in ClinVar:

ClinVar aggregate classification (germline): Likely benign. Review status: criteria provided, multiple submitters, no conflicts (2 of 4 stars). 2 submissions from 2 submitters: Likely benign (2). Last evaluated 2024-02-20.

Allele frequency attached by ClinVar (database versions not stated): TOPMed below 0.00001; gnomAD 0.00001.
gnomAD v4.1: 21 of 1,614,156 alleles (0.0013%); highest among the groups gnomAD compares: East Asian, 0.0045%; no homozygotes.

Submissions (2):

Labcorp Genetics (formerly Invitae), Labcorp
Classification: Likely benign. Last evaluated: 2024-02-20. Review status: criteria provided, single submitter. Criteria: Invitae Variant Classification Sherloc (09022015). Collection method: clinical testing. Allele origin: germline.

GeneDx
Classification: Likely benign. Last evaluated: 2016-08-24. Review status: criteria provided, single submitter. Criteria: GeneDx Variant Classification (06012015). Collection method: clinical testing. Allele origin: germline. Affected: yes.
Comment: This variant is considered likely benign or benign based on one or more of the following criteria: it is a conservative change, it occurs at a poorly conserved position in the protein, it is predicted to be benign by multiple in silico algorithms, and/or has population frequency not consistent with disease.

NM_001098.3(ACO2):c.2136G>A (p.Pro712=)

Genes: ACO2 (aconitase 2; plus strand), POLR3H (RNA polymerase III subunit H; minus strand). Cytogenetic location: 22q13.2.
Variant type: single nucleotide variant.
Coding change: c.2136G>A on transcript NM_001098.3 (MANE Select); coding-DNA position 2136, G replaced by A.
Protein change: p.Pro712=; no amino-acid change (proline 712 retained).
Molecular consequence: synonymous variant. On other transcripts: 3 prime UTR variant (5).
Genome position (GRCh38, 1-based): chr22:41,527,950, G>A. VCF-style: chr22-41527950-G-A. GRCh37 (hg19) VCF-style: chr22-41923954-G-A.
Other names: c.*1333C>T (NM_138338.5, NM_001018050.4, NM_001018052.4 and 2 more transcripts).
Identifiers: ClinVar variation 382615 (VCV000382615.6), dbSNP rs565638362, ClinGen allele CA10257905.